The following is an entry in ClinVar:

NM_002526.4(NT5E):c.1264G>T (p.Asp422Tyr)

Gene: NT5E (5'-nucleotidase ecto; plus strand). Cytogenetic location: 6q14.3.
Variant type: single nucleotide variant.
Coding change: c.1264G>T on transcript NM_002526.4 (MANE Select); coding-DNA position 1264, G replaced by T.
Protein change: p.Asp422Tyr; replaces aspartic acid 422 with tyrosine.
Molecular consequence: missense variant. On other transcripts: intron variant (1).
Genome position (GRCh38, 1-based): chr6:85,490,561, G>T. VCF-style: chr6-85490561-G-T. GRCh37 (hg19) VCF-style: chr6-86200279-G-T.
Other names: c.1210+962G>T (NM_001204813.2); short protein forms D422Y.
Identifiers: ClinVar variation 2629968 (VCV002629968.1), dbSNP rs2534045121, ClinGen allele CA364891492.
Genomic context (GRCh38, chr6:85,490,561, plus strand): 5'-CCCTCAGGCACAATTACCTGGGAGAACCTGGCTGCTGTATTGCCCTTTGGAGGCACATTT[G>T]ACCTAGTCCAGTTAAAAGGTTCCACCCTGAAGAAGGCCTTTGAGCATAGCGTGCACCGCT-3'
Protein context (NP_002517.1, residues 412-432): AAVLPFGGTF[Asp422Tyr]LVQLKGSTLK

ClinVar aggregate classification (germline): Uncertain significance (1 of 4 stars; one submission).

Conditions:
NT5E-related disorder. Also called: NT5E-related condition.

Allele frequency attached by ClinVar (database versions not stated): gnomAD exomes below 0.00001.
gnomAD v4.1: 2 of 1,614,168 alleles (0.00012%); highest among the groups gnomAD compares: Non-Finnish European, 0.00017%; no homozygotes.

Submission:

PreventionGenetics, part of Exact Sciences
Classification: Uncertain significance for NT5E-related condition. Last evaluated: 2022-12-28. Review status: criteria provided, single submitter. Criteria: ACMG Guidelines, 2015. Collection method: clinical testing. Allele origin: germline.
Comment: The NT5E c.1264G>T variant is predicted to result in the amino acid substitution p.Asp422Tyr. To our knowledge, this variant has not been reported in the literature or in a large population database, indicating this variant is rare. At this time, the clinical significance of this variant is uncertain due to the absence of conclusive functional and genetic evidence.